The following is an entry in ClinVar:

NM_004366.6(CLCN2):c.2201C>G (p.Pro734Arg)

Gene: CLCN2 (chloride voltage-gated channel 2; minus strand). Cytogenetic location: 3q27.1.
Variant type: single nucleotide variant.
Coding change: c.2201C>G on transcript NM_004366.6 (MANE Select); coding-DNA position 2201, C replaced by G.
Protein change: p.Pro734Arg; replaces proline 734 with arginine.
Molecular consequence: missense variant.
Genome position (GRCh38, 1-based): chr3:184,352,753, G>C on the plus strand (C>G on the coding strand, the complement: CLCN2 is on the minus strand). VCF-style: chr3-184352753-G-C. GRCh37 (hg19) VCF-style: chr3-184070541-G-C.
Other names: c.2150C>G, p.Pro717Arg (NM_001171087.3); c.2069C>G, p.Pro690Arg (NM_001171088.3); c.2201C>G, p.Pro734Arg (NM_001171089.3); short protein forms P717R, P734R, P690R.
Identifiers: ClinVar variation 4768463 (VCV004768463.1).

ClinVar aggregate classification (germline): Uncertain significance (1 of 4 stars; one submission).

gnomAD v4.1: 6 of 1,613,032 alleles (0.00037%); highest among the groups gnomAD compares: Non-Finnish European, 0.00042%; no homozygotes.

Submission:

Labcorp Genetics (formerly Invitae), Labcorp
Classification: Uncertain significance. Last evaluated: 2025-03-05. Review status: criteria provided, single submitter. Criteria: Invitae Variant Classification Sherloc (09022015). Collection method: clinical testing. Allele origin: germline.
Comment: This sequence change replaces proline, which is neutral and non-polar, with arginine, which is basic and polar, at codon 734 of the CLCN2 protein (p.Pro734Arg). This variant is present in population databases (rs146515374, gnomAD 0.002%). This variant has not been reported in the literature in individuals affected with CLCN2-related conditions. Invitae Evidence Modeling of protein sequence and biophysical properties (such as structural, functional, and spatial information, amino acid conservation, physicochemical variation, residue mobility, and thermodynamic stability) indicates that this missense variant is not expected to disrupt CLCN2 protein function with a negative predictive value of 80%. In summary, the available evidence is currently insufficient to determine the role of this variant in disease. Therefore, it has been classified as a Variant of Uncertain Significance.